The following is an entry in ClinVar:

ClinVar aggregate classification (germline): Uncertain significance (1 of 4 stars; one submission).

Conditions:
Landau-Kleffner syndrome (FESD). Also called: EPILEPSY, FOCAL, WITH SPEECH DISORDER AND WITH OR WITHOUT MENTAL RETARDATION; APHASIA, ACQUIRED, WITH EPILEPSY. Identifiers: Orphanet 1945, Orphanet 725, Orphanet 98818, MedGen C0282512, MONDO:0009509, OMIM 245570.

gnomAD v4.1: 1 of 1,613,958 alleles (0.000062%); highest among the groups gnomAD compares: South Asian, 0.0011%; no homozygotes.

Submission:

Labcorp Genetics (formerly Invitae), Labcorp
Classification: Uncertain significance for Landau-Kleffner syndrome. Last evaluated: 2025-12-26. Review status: criteria provided, single submitter. Criteria: Invitae Variant Classification Sherloc (09022015). Collection method: clinical testing. Allele origin: germline.
Comment: This sequence change replaces lysine, which is basic and polar, with asparagine, which is neutral and polar, at codon 1340 of the GRIN2A protein (p.Lys1340Asn). This variant is not present in population databases (gnomAD no frequency). This variant has not been reported in the literature in individuals affected with GRIN2A-related conditions. Invitae Evidence Modeling of protein sequence and biophysical properties (such as structural, functional, and spatial information, amino acid conservation, physicochemical variation, residue mobility, and thermodynamic stability) indicates that this missense variant is not expected to disrupt GRIN2A protein function with a negative predictive value of 95%. In summary, the available evidence is currently insufficient to determine the role of this variant in disease. Therefore, it has been classified as a Variant of Uncertain Significance.

NM_001134407.3(GRIN2A):c.4020A>C (p.Lys1340Asn)

Gene: GRIN2A (glutamate ionotropic receptor NMDA type subunit 2A; minus strand). Cytogenetic location: 16p13.2.
Variant type: single nucleotide variant.
Coding change: c.4020A>C on transcript NM_001134407.3 (MANE Select); coding-DNA position 4020, A replaced by C.
Protein change: p.Lys1340Asn; replaces lysine 1340 with asparagine.
Molecular consequence: missense variant. On other transcripts: intron variant (1).
Genome position (GRCh38, 1-based): chr16:9,763,524, T>G on the plus strand (A>C on the coding strand, the complement: GRIN2A is on the minus strand). VCF-style: chr16-9763524-T-G. GRCh37 (hg19) VCF-style: chr16-9857381-T-G.
Other names: c.4020A>C, p.Lys1340Asn (NM_000833.5); c.3773-96A>C (NM_001134408.2); short protein forms K1340N.
Identifiers: ClinVar variation 4802906 (VCV004802906.1).